The following is an entry in ClinVar:

NM_003873.7(NRP1):c.846A>C (p.Glu282Asp)

Gene: NRP1 (neuropilin 1; minus strand). Cytogenetic location: 10p11.22.
Variant type: single nucleotide variant.
Coding change: c.846A>C on transcript NM_003873.7 (MANE Select); coding-DNA position 846, A replaced by C.
Protein change: p.Glu282Asp; replaces glutamic acid 282 with aspartic acid.
Molecular consequence: missense variant. On other transcripts: non-coding transcript variant (1).
Genome position (GRCh38, 1-based): chr10:33,254,163, T>G on the plus strand (A>C on the coding strand, the complement: NRP1 is on the minus strand). VCF-style: chr10-33254163-T-G. GRCh37 (hg19) VCF-style: chr10-33543091-T-G.
Other names: c.846A>C, p.Glu282Asp (NM_001024628.3, NM_001024629.3, NM_001244972.2 and 2 more transcripts); short protein forms E282D.
Identifiers: ClinVar variation 4992790 (VCV004992790.1).

ClinVar aggregate classification (germline): Uncertain significance (1 of 4 stars; one submission).

Conditions:
NRP1-related disorder. Also called: NRP1-related condition.

gnomAD v4.1: 1 of 1,613,012 alleles (0.000062%); highest among the groups gnomAD compares: East Asian, 0.0022%; no homozygotes.

Submission:

PreventionGenetics, part of Exact Sciences
Classification: Uncertain significance for NRP1-related condition. Last evaluated: 2026-07-28. Review status: criteria provided, single submitter. Criteria: ACMG Guidelines, 2015. Collection method: clinical testing. Allele origin: germline.
Comment: The NRP1 c.846A>C variant is predicted to result in the amino acid substitution p.Glu282Asp. To our knowledge, this variant has not been reported in the literature. This variant is reported in 0.0055% of alleles in individuals of East Asian descent in gnomAD. At this time, the clinical significance of this variant is uncertain due to the absence of conclusive functional and genetic evidence.